The following is an entry in ClinVar:

NM_001286577.2(C2CD3):c.2401_2402del (p.Ser801fs)

Gene: C2CD3 (C2 domain containing 3 centriole elongation regulator; minus strand). Cytogenetic location: 11q13.4.
Variant type: Microsatellite.
Coding change: c.2401_2402del on transcript NM_001286577.2 (MANE Select); coding-DNA positions 2401 to 2402, 2 bases deleted (AG; older notation c.2401_2402delAG).
Protein change: p.Ser801fs; shifts the reading frame from serine 801.
Molecular consequence: frameshift variant.
Genome position (GRCh38, 1-based): chr11:74,103,309-74,103,310, CT deleted on the plus strand (AG on the coding strand, the reverse complement: C2CD3 is on the minus strand); deleting any 2 consecutive bases within chr11:74,103,309-74,103,314 gives the same sequence; the c. name uses the placement nearest the transcript's 3' end. VCF-style (leftmost placement, unchanged base first): chr11-74103308-ACT-A. GRCh37 (hg19) VCF-style: chr11-73814353-ACT-A.
Other names: c.2401_2402del, p.Ser801fs (NM_015531.6); short protein forms S801fs.
Identifiers: ClinVar variation 2027190 (VCV002027190.4), dbSNP rs2496448304, ClinGen allele CA2580615759.

ClinVar aggregate classification (germline): Pathogenic (1 of 4 stars; one submission).

Submission:

Labcorp Genetics (formerly Invitae), Labcorp
Classification: Pathogenic. Last evaluated: 2022-08-26. Review status: criteria provided, single submitter. Criteria: Invitae Variant Classification Sherloc (09022015). Collection method: clinical testing. Allele origin: germline.
Comment: This sequence change creates a premature translational stop signal (p.Ser801Cysfs*18) in the C2CD3 gene. It is expected to result in an absent or disrupted protein product. Loss-of-function variants in C2CD3 are known to be pathogenic (PMID: 24997988, 26477546). This variant is not present in population databases (gnomAD no frequency). This variant has not been reported in the literature in individuals affected with C2CD3-related conditions. For these reasons, this variant has been classified as Pathogenic.

Literature cited by the submitters: PubMed 24997988; PubMed 26477546.